The following is an entry in ClinVar:

ClinVar aggregate classification (germline): Likely pathogenic (1 of 4 stars; one submission).

Submission:

Dasa
Classification: Likely pathogenic. Last evaluated: 2025-01-10. Review status: criteria provided, single submitter. Criteria: DASA Assertion Criteria. Collection method: clinical testing. Allele origin: germline.
Comment: NM_030912.3(TRIM8):c.1445del (p.Gly482Alafs*68) is a frameshift variant in TRIM8 predicted to alter the reading frame and introduce a premature termination codon and is predicted to result in an absent or altered protein product. Loss of function is an established disease mechanism for TRIM8-associated disorders. Also, this variant is absent from population databases. Based on the currently available evidence, this variant is classified as likely pathogenic.

NM_030912.3(TRIM8):c.1445del (p.Gly482fs)

Gene: TRIM8 (tripartite motif containing 8; plus strand). Cytogenetic location: 10q24.32.
Variant type: Deletion.
Coding change: c.1445del on transcript NM_030912.3 (MANE Select); coding-DNA position 1445, one base deleted (G; older notation c.1445delG).
Protein change: p.Gly482fs; shifts the reading frame from glycine 482.
Molecular consequence: frameshift variant. On other transcripts: non-coding transcript variant (1).
Genome position (GRCh38, 1-based): chr10:102,657,143, G deleted; the last of 2 consecutive G bases (chr10:102,657,142-102,657,143); deleting either gives the same sequence. VCF-style (leftmost placement, unchanged base first): chr10-102657141-TG-T. GRCh37 (hg19) VCF-style: chr10-104416898-TG-T.
Other names: c.1349del, p.Gly450fs (NM_001345950.1); short protein forms G450fs, G482fs.
Identifiers: ClinVar variation 4880567 (VCV004880567.2).